The following is an entry in ClinVar:

ClinVar aggregate classification (germline): Uncertain significance (1 of 4 stars; one submission).

gnomAD v4.1: 1 of 1,248,044 alleles (0.00008%); highest among the groups gnomAD compares: East Asian, 0.0032%; no homozygotes.

Submission:

Quest Diagnostics Nichols Institute San Juan Capistrano
Classification: Uncertain significance. Last evaluated: 2024-12-06. Review status: criteria provided, single submitter. Criteria: Quest Diagnostics criteria. Collection method: clinical testing. Allele origin: unknown.
Comment: The GALNT12 c.227G>A (p.Gly76Asp) variant has not been reported in individuals with GALNT12-related conditions in the published literature. It also has not been reported in large, multi-ethnic general populations (Genome Aggregation Database). Analysis of this variant using bioinformatics tools for the prediction of the effect of amino acid changes on protein structure and function yielded predictions that this variant is damaging. Based on the available information, we are unable to determine the clinical significance of this variant.

NM_024642.5(GALNT12):c.227G>A (p.Gly76Asp)

Gene: GALNT12 (polypeptide N-acetylgalactosaminyltransferase 12; plus strand). Cytogenetic location: 9q22.33.
Variant type: single nucleotide variant.
Coding change: c.227G>A on transcript NM_024642.5 (MANE Select); coding-DNA position 227, G replaced by A.
Protein change: p.Gly76Asp; replaces glycine 76 with aspartic acid.
Molecular consequence: missense variant.
Genome position (GRCh38, 1-based): chr9:98,807,925, G>A. VCF-style: chr9-98807925-G-A. GRCh37 (hg19) VCF-style: chr9-101570207-G-A.
Other names: short protein forms G76D.
Identifiers: ClinVar variation 3572307 (VCV003572307.2).
Genomic context (GRCh38, chr9:98,807,925, plus strand): 5'-CGCGCCCCGGGCGGCGCGAGCCGGTCATGCCGCGGCCGCCGGTGCCGGCGAACGCGCTGG[G>A]CGCGCGGGGCGAGGCGGTGCGGCTGCAGCTGCAGGGCGAGGAGCTGCGGCTGCAGGAGGA-3'
Protein context (NP_078918.3, residues 66-86): PRPPVPANAL[Gly76Asp]ARGEAVRLQL